The following is an entry in ClinVar:

ClinVar aggregate classification (germline): Benign/Likely benign. Review status: criteria provided, multiple submitters, no conflicts (2 of 4 stars). 6 submissions from 6 submitters: Benign (2); Likely benign (4). Last evaluated 2025-12-02.

Conditions:
Autosomal recessive limb-girdle muscular dystrophy type 2Q (LGMDR17). Also called: MUSCULAR DYSTROPHY, LIMB-GIRDLE, AUTOSOMAL RECESSIVE 17. Identifiers: Orphanet 254361, MedGen C3150989, MONDO:0013390, OMIM 613723.
Epidermolysis bullosa simplex 5B, with muscular dystrophy (EBS5B). Also called: EPIDERMOLYSIS BULLOSA SIMPLEX AND LIMB-GIRDLE MUSCULAR DYSTROPHY; Epidermolysis bullosa simplex with muscular dystrophy. Identifiers: Orphanet 257, MedGen C2931072, MONDO:0009181, OMIM 226670.
Epidermolysis bullosa simplex, Ogna type (EBS5A). Also called: Pidermolysis bullosa simplex 5A, Ogna type; EPIDERMOLYSIS BULLOSA SIMPLEX 5A, OGNA TYPE. Identifiers: Orphanet 79401, MedGen C0432317, MONDO:0007555, OMIM 131950.
Epidermolysis bullosa simplex with nail dystrophy (EBS5D). Identifiers: MedGen C4225309, MONDO:0014661, OMIM 616487.
Epidermolysis bullosa simplex 5C, with pyloric atresia (EBS5C). Also called: PLEC-Related Epidermolysis Bullosa with Pyloric Atresia; Epidermolysis bullosa simplex with pyloric atresia; PLEC1-Related Epidermolysis Bullosa with Pyloric Atresia. Identifiers: Orphanet 158684, MedGen C2677349, MONDO:0012807, OMIM 612138.
PLEC-related disorder. Also called: PLEC-related disorders; PLEC-related condition.

Allele frequency attached by ClinVar (database versions not stated): gnomAD exomes 0.00020; ExAC 0.00022; ESP Exome Variant Server 0.00033; gnomAD 0.00077 and 0.00086; TOPMed 0.00084; 1000 Genomes Project 30x 0.00156; 1000 Genomes Project 0.00200.
gnomAD v4.1: 276 of 1,609,294 alleles (0.017%); highest among the groups gnomAD compares: African/African-American, 0.29%; 5 homozygotes.

Submissions (6):

Labcorp Genetics (formerly Invitae), Labcorp
Classification: Benign for Autosomal recessive limb-girdle muscular dystrophy type 2Q; Epidermolysis bullosa simplex, Ogna type; Epidermolysis bullosa simplex with nail dystrophy; Epidermolysis bullosa simplex 5C, with pyloric atresia; Epidermolysis bullosa simplex 5B, with muscular dystrophy. Last evaluated: 2025-12-02. Review status: criteria provided, single submitter. Criteria: Invitae Variant Classification Sherloc (09022015). Collection method: clinical testing. Allele origin: germline.

PreventionGenetics, part of Exact Sciences
Classification: Likely benign for PLEC-related condition. Last evaluated: 2024-11-11. Review status: criteria provided, single submitter. Criteria: ACMG Guidelines, 2015. Collection method: clinical testing. Allele origin: germline.
Comment: This variant is classified as likely benign based on ACMG/AMP sequence variant interpretation guidelines (Richards et al. 2015 PMID: 25741868, with internal and published modifications).

Blueprint Genetics
Classification: Likely benign. Last evaluated: 2024-05-02. Review status: criteria provided, single submitter. Criteria: ACMG Guidelines, 2015. Collection method: clinical testing. Allele origin: germline.

GeneDx
Classification: Likely benign. Last evaluated: 2021-03-02. Review status: criteria provided, single submitter. Criteria: GeneDx Variant Classification Process June 2021. Collection method: clinical testing. Allele origin: germline. Affected: yes.

Athena Diagnostics
Classification: Benign. Last evaluated: 2019-11-12. Review status: criteria provided, single submitter. Criteria: Athena Diagnostics Criteria. Collection method: clinical testing. Allele origin: unknown.

Eurofins Ntd Llc (ga)
Classification: Likely benign. Last evaluated: 2017-02-28. Review status: criteria provided, single submitter. Criteria: EGL Classification Definitions 2015. Collection method: clinical testing. Allele origin: germline. Observed: 2 variant alleles, 2 heterozygotes.

NM_201384.3(PLEC):c.8976C>T (p.Ile2992=)

Gene: PLEC (plectin; minus strand). Cytogenetic location: 8q24.3.
Variant type: single nucleotide variant.
Coding change: c.8976C>T on transcript NM_201384.3 (MANE Select); coding-DNA position 8976, C replaced by T.
Protein change: p.Ile2992=; no amino-acid change (isoleucine 2992 retained).
Molecular consequence: synonymous variant.
Genome position (GRCh38, 1-based): chr8:143,920,845, G>A on the plus strand (C>T on the coding strand, the complement: PLEC is on the minus strand). VCF-style: chr8-143920845-G-A. GRCh37 (hg19) VCF-style: chr8-144995013-G-A.
Other names: c.9057C>T, p.Ile3019= (NM_000445.5); c.8934C>T, p.Ile2978= (NM_201378.4); c.8910C>T, p.Ile2970= (NM_201379.3); c.9387C>T, p.Ile3129= (NM_201380.4); c.8880C>T, p.Ile2960= (NM_201381.3); c.8976C>T, p.Ile2992= (NM_201382.4); c.8988C>T, p.Ile2996= (NM_201383.3).
Identifiers: ClinVar variation 497055 (VCV000497055.19), dbSNP rs375914011, ClinGen allele CA4925123.